The following is an entry in ClinVar:

NM_000360.4(TH):c.1229G>C (p.Arg410Pro)

Gene: TH (tyrosine hydroxylase; minus strand). Cytogenetic location: 11p15.5.
Variant type: single nucleotide variant.
Coding change: c.1229G>C on transcript NM_000360.4 (MANE Select); coding-DNA position 1229, G replaced by C.
Protein change: p.Arg410Pro; replaces arginine 410 with proline.
Molecular consequence: missense variant.
Genome position (GRCh38, 1-based): chr11:2,165,337, C>G on the plus strand (G>C on the coding strand, the complement: TH is on the minus strand). VCF-style: chr11-2165337-C-G. GRCh37 (hg19) VCF-style: chr11-2186567-C-G.
Other names: c.1322G>C, p.Arg441Pro (NM_199292.3); c.1310G>C, p.Arg437Pro (NM_199293.3); short protein forms R437P, R410P, R441P.
Identifiers: ClinVar variation 2919265 (VCV002919265.3), dbSNP rs367874223, ClinGen allele CA5818325.

ClinVar aggregate classification (germline): Likely pathogenic (1 of 4 stars; one submission).

Conditions:
TH-deficient dopa-responsive dystonia. Also called: Tyrosine Hydroxylase-Deficient Dopa-Responsive Dystonia; Segawa syndrome, autosomal recessive; DYT-TH. Identifiers: Orphanet 101150, MedGen C2673535, MONDO:0011551, OMIM 605407.

Allele frequency attached by ClinVar (database versions not stated): ESP Exome Variant Server 0.00008.
gnomAD v4.1: 1 of 1,611,874 alleles (0.000062%); highest among the groups gnomAD compares: Non-Finnish European, 0.000085%; no homozygotes.

Submission:

Labcorp Genetics (formerly Invitae), Labcorp
Classification: Likely pathogenic for TH-deficient dopa-responsive dystonia. Last evaluated: 2024-01-13. Review status: criteria provided, single submitter. Criteria: Invitae Variant Classification Sherloc (09022015). Collection method: clinical testing. Allele origin: germline.
Comment: This sequence change replaces arginine, which is basic and polar, with proline, which is neutral and non-polar, at codon 441 of the TH protein (p.Arg441Pro). This variant is present in population databases (rs367874223, gnomAD 0.0009%). This missense change has been observed in individuals with dystonia (PMID: 23939262, 27619486). Advanced modeling of protein sequence and biophysical properties (such as structural, functional, and spatial information, amino acid conservation, physicochemical variation, residue mobility, and thermodynamic stability) has been performed at Invitae for this missense variant, however the output from this modeling did not meet the statistical confidence thresholds required to predict the impact of this variant on TH protein function. Experimental studies have shown that this missense change affects TH function (PMID: 24753243). In summary, the available evidence is currently insufficient to determine the role of this variant in disease. Therefore, it has been classified as a Variant of Uncertain Significance.

Literature cited by the submitters: PubMed 23939262; PubMed 27619486; PubMed 24753243.